The following is an entry in ClinVar:

ClinVar aggregate classification (germline): Likely benign (1 of 4 stars; one submission).

Conditions:
Arrhythmogenic cardiomyopathy with wooly hair and keratoderma. Also called: PALMOPLANTAR KERATODERMA WITH LEFT VENTRICULAR CARDIOMYOPATHY AND WOOLLY HAIR; Carvajal syndrome; Dilated cardiomyopathy with woolly hair and keratoderma; Arrhythmogenic cardiomyopathy with woolly hair and keratoderma. Identifiers: Orphanet 65282, MedGen C1854063, MONDO:0011581, OMIM 605676.

Allele frequency attached by ClinVar (database versions not stated): gnomAD exomes below 0.00001; TOPMed 0.00001.
gnomAD v4.1: 2 of 1,610,302 alleles (0.00012%); highest among the groups gnomAD compares: Admixed American, 0.0017%; no homozygotes.

Submission:

All of Us Research Program, National Institutes of Health
Classification: Likely benign for Arrhythmogenic cardiomyopathy with wooly hair and keratoderma. Last evaluated: 2023-11-02. Review status: criteria provided, single submitter. Criteria: ACMG Guidelines, 2015. Collection method: clinical testing. Allele origin: germline. Inheritance: Autosomal dominant inheritance. Observed: 1 variant allele, 1 heterozygote.
Comment: This study involves interpretation of variants in research participants for the purpose of population health screening. Participant phenotype was not available at the time of variant classification. Additional details can be found in publication PMID: 35346344, PMCID: PMC8962531

NM_004415.4(DSP):c.2878-7G>A

Gene: DSP (desmoplakin; plus strand). Cytogenetic location: 6p24.3.
Variant type: single nucleotide variant.
Coding change: c.2878-7G>A on transcript NM_004415.4 (MANE Select); 7 bases into the intron before coding-DNA position 2878, G replaced by A.
Molecular consequence: intron variant.
Genome position (GRCh38, 1-based): chr6:7,577,772, G>A. VCF-style: chr6-7577772-G-A. GRCh37 (hg19) VCF-style: chr6-7578005-G-A.
Other names: c.2878-7G>A (NM_001319034.2, NM_001008844.3).
Identifiers: ClinVar variation 3074257 (VCV003074257.1), dbSNP rs1054201709, ClinGen allele CA133965326.